The following is an entry in ClinVar:

ClinVar aggregate classification (germline): Likely benign. Review status: criteria provided, multiple submitters, no conflicts (2 of 4 stars). 2 submissions from 2 submitters: Likely benign (2). Last evaluated 2026-09-01.

Conditions:
ALPK3-related disorder. Also called: ALPK3-related condition.

Submissions (2):

CeGaT Center for Human Genetics Tuebingen
Classification: Likely benign. Last evaluated: 2026-09-01. Review status: criteria provided, single submitter. Criteria: CeGaT Center For Human Genetics Tuebingen Variant Classification Criteria Version 2. Collection method: clinical testing. Allele origin: germline. Affected: yes. Observed: 3 variant alleles.
Comment: ALPK3: PM2:Supporting, BP4, BP7

PreventionGenetics, part of Exact Sciences
Classification: Likely benign for ALPK3-related condition. Last evaluated: 2025-03-12. Review status: criteria provided, single submitter. Criteria: ACMG Guidelines, 2015. Collection method: clinical testing. Allele origin: germline.
Comment: This variant is classified as likely benign based on ACMG/AMP sequence variant interpretation guidelines (Richards et al. 2015 PMID: 25741868, with internal and published modifications).

NM_020778.5(ALPK3):c.3957G>T (p.Val1319=)

Gene: ALPK3 (alpha kinase 3; plus strand). Cytogenetic location: 15q25.3.
Variant type: single nucleotide variant.
Coding change: c.3957G>T on transcript NM_020778.5 (MANE Select); coding-DNA position 3957, G replaced by T.
Protein change: p.Val1319=; no amino-acid change (valine 1319 retained).
Molecular consequence: synonymous variant.
Genome position (GRCh38, 1-based): chr15:84,859,382, G>T. VCF-style: chr15-84859382-G-T. GRCh37 (hg19) VCF-style: chr15-85402613-G-T.
Other names: c.4563G>T (NM_020778.4).
Identifiers: ClinVar variation 4084926 (VCV004084926.9).